The following is an entry in ClinVar:

NM_015690.5(STK36):c.3274C>G (p.Leu1092Val)

Gene: STK36 (serine/threonine kinase 36; plus strand). Cytogenetic location: 2q35.
Variant type: single nucleotide variant.
Coding change: c.3274C>G on transcript NM_015690.5 (MANE Select); coding-DNA position 3274, C replaced by G.
Protein change: p.Leu1092Val; replaces leucine 1092 with valine.
Molecular consequence: missense variant.
Genome position (GRCh38, 1-based): chr2:218,698,818, C>G. VCF-style: chr2-218698818-C-G. GRCh37 (hg19) VCF-style: chr2-219563541-C-G.
Other names: c.3211C>G, p.Leu1071Val (NM_001243313.2); c.3274C>G, p.Leu1092Val (NM_001369423.1); short protein forms L1092V, L1071V.
Identifiers: ClinVar variation 3802500 (VCV003802500.1).

ClinVar aggregate classification (germline): Uncertain significance (1 of 4 stars; one submission).

Submission:

Ambry Genetics
Classification: Uncertain significance. Last evaluated: 2025-02-12. Review status: criteria provided, single submitter. Criteria: Ambry Variant Classification Scheme 2023. Collection method: clinical testing. Allele origin: germline.
Comment: Does not currently meet published gene-disease clinical validity criteria Based on insufficient or conflicting evidence, the clinical significance of this alteration remains unclear.

Literature cited by the submitters: PubMed 28106320.